The following is an entry in ClinVar:

NM_000441.2(SLC26A4):c.1709T>C (p.Val570Ala)

Gene: SLC26A4 (solute carrier family 26 member 4; plus strand). Cytogenetic location: 7q22.3.
Variant type: single nucleotide variant.
Coding change: c.1709T>C on transcript NM_000441.2 (MANE Select); coding-DNA position 1709, T replaced by C.
Protein change: p.Val570Ala; replaces valine 570 with alanine.
Molecular consequence: missense variant.
Genome position (GRCh38, 1-based): chr7:107,701,102, T>C. VCF-style: chr7-107701102-T-C. GRCh37 (hg19) VCF-style: chr7-107341547-T-C.
Other names: short protein forms V570A.
Identifiers: ClinVar variation 1315110 (VCV001315110.6), dbSNP rs775256637, ClinGen allele CA4432928.

ClinVar aggregate classification (germline): Uncertain significance. Review status: criteria provided, multiple submitters, no conflicts (2 of 4 stars). 2 submissions from 2 submitters: Uncertain significance (2). Last evaluated 2021-08-27.

Allele frequency attached by ClinVar (database versions not stated): gnomAD exomes below 0.00001 and 0.00002; ExAC 0.00001; gnomAD 0.00001; TOPMed 0.00001.
gnomAD v4.1: 4 of 1,588,924 alleles (0.00025%); highest among the groups gnomAD compares: Admixed American, 0.0067%; no homozygotes.

Submissions (2):

Labcorp Genetics (formerly Invitae), Labcorp
Classification: Uncertain significance. Last evaluated: 2021-08-27. Review status: criteria provided, single submitter. Criteria: Invitae Variant Classification Sherloc (09022015). Collection method: clinical testing. Allele origin: germline.
Comment: This sequence change replaces valine with alanine at codon 570 of the SLC26A4 protein (p.Val570Ala). The valine residue is highly conserved and there is a small physicochemical difference between valine and alanine. This variant is present in population databases (rs775256637, ExAC 0.002%). This variant has not been reported in the literature in individuals affected with SLC26A4-related conditions. Algorithms developed to predict the effect of missense changes on protein structure and function (SIFT, PolyPhen-2, Align-GVGD) all suggest that this variant is likely to be disruptive. In summary, the available evidence is currently insufficient to determine the role of this variant in disease. Therefore, it has been classified as a Variant of Uncertain Significance.

GeneDx
Classification: Uncertain significance. Last evaluated: 2020-01-29. Review status: criteria provided, single submitter. Criteria: GeneDx Variant Classification Process June 2021. Collection method: clinical testing. Allele origin: germline. Affected: yes.
Comment: In silico analysis, which includes protein predictors and evolutionary conservation, supports a deleterious effect; Splice predictors are inconclusive as to whether the variant alters gene splicing; In the absence of RNA/functional studies, the actual effect of this sequence change is unknown; Has not been previously published as pathogenic or benign to our knowledge